The following is an entry in ClinVar:

NM_000532.5(PCCB):c.749A>G (p.His250Arg)

Gene: PCCB (propionyl-CoA carboxylase subunit beta; plus strand). Cytogenetic location: 3q22.3.
Variant type: single nucleotide variant.
Coding change: c.749A>G on transcript NM_000532.5 (MANE Select); coding-DNA position 749, A replaced by G.
Protein change: p.His250Arg; replaces histidine 250 with arginine.
Molecular consequence: missense variant.
Genome position (GRCh38, 1-based): chr3:136,293,850, A>G. VCF-style: chr3-136293850-A-G. GRCh37 (hg19) VCF-style: chr3-136012692-A-G.
Other names: c.809A>G, p.His270Arg (NM_001178014.2); short protein forms H250R, H270R.
Identifiers: ClinVar variation 851161 (VCV000851161.10), dbSNP rs1933813724, ClinGen allele CA354643711.

ClinVar aggregate classification (germline): Likely pathogenic. Review status: criteria provided, single submitter (1 of 4 stars). 2 submissions from 2 submitters: Likely pathogenic (1). 1 of the submissions does not count toward it. Last evaluated 2023-03-23.

Conditions:
Propionic acidemia (PROP). Also called: GLYCINEMIA, KETOTIC; HYPERGLYCINEMIA WITH KETOACIDOSIS AND LEUKOPENIA; KETOTIC HYPERGLYCINEMIA. Identifiers: Orphanet 35, MedGen C0268579, MONDO:0011628, OMIM 606054, HP:0003571.

Submissions (2):

Labcorp Genetics (formerly Invitae), Labcorp
Classification: Likely pathogenic for Propionic acidemia. Last evaluated: 2023-03-23. Review status: criteria provided, single submitter. Criteria: Invitae Variant Classification Sherloc (09022015). Collection method: clinical testing. Allele origin: germline.
Comment: In summary, the currently available evidence indicates that the variant is pathogenic, but additional data are needed to prove that conclusively. Therefore, this variant has been classified as Likely Pathogenic. This variant disrupts the p.His250 amino acid residue in PCCB. Other variant(s) that disrupt this residue have been observed in individuals with PCCB-related conditions (PMID: 30274917), which suggests that this may be a clinically significant amino acid residue. Advanced modeling of protein sequence and biophysical properties (such as structural, functional, and spatial information, amino acid conservation, physicochemical variation, residue mobility, and thermodynamic stability) performed at Invitae indicates that this missense variant is expected to disrupt PCCB protein function. ClinVar contains an entry for this variant (Variation ID: 851161). This missense change has been observed in individual(s) with propionic acidemia (Invitae). In at least one individual the data is consistent with being in trans (on the opposite chromosome) from a pathogenic variant. This variant is not present in population databases (gnomAD no frequency). This sequence change replaces histidine, which is basic and polar, with arginine, which is basic and polar, at codon 250 of the PCCB protein (p.His250Arg).

Natera, Inc.
Classification: Uncertain significance for Propionic acidemia. Last evaluated: 2020-09-16. Review status: no assertion criteria provided. Collection method: clinical testing. Allele origin: germline. Not counted in ClinVar's aggregate classification.

Literature cited by the submitters: PubMed 30274917 (cited by Labcorp Genetics (formerly Invitae), Labcorp).